The following is an entry in ClinVar:

ClinVar aggregate classification (germline): Pathogenic (1 of 4 stars; one submission).

Conditions:
Leukoencephalopathy with brain stem and spinal cord involvement-high lactate syndrome (LBSL). Also called: Leukoencephalopathy with Brainstem and Spinal Cord Involvement and Lactate Elevation; LEUKOENCEPHALOPATHY WITH BRAINSTEM AND SPINAL CORD INVOLVEMENT AND LACTATE ELEVATION, MILD; MITOCHONDRIAL ASPARTYL-tRNA SYNTHETASE DEFICIENCY. Identifiers: Orphanet 137898, MedGen C1970180, MONDO:0012622, OMIM 611105.

Allele frequency attached by ClinVar (database versions not stated): gnomAD 0.00001; gnomAD exomes 0.00002.

Submission:

Women's Health and Genetics/Laboratory Corporation of America, LabCorp
Classification: Pathogenic for Leukoencephalopathy with brain stem and spinal cord involvement-high lactate syndrome. Last evaluated: 2023-12-04. Review status: criteria provided, single submitter. Criteria: LabCorp Variant Classification Summary - May 2015. Collection method: clinical testing. Allele origin: germline.
Comment: Variant summary: DARS2 c.161dupG (p.Cys54TrpfsX45) results in a premature termination codon, predicted to cause a truncation of the encoded protein or absence of the protein due to nonsense mediated decay, which are commonly known mechanisms for disease. The variant allele was found at a frequency of 4e-06 in 251462 control chromosomes. To our knowledge, no occurrence of c.161dupG in individuals affected with Leukoencephalopathy With Brain Stem And Spinal Cord Involvement-High Lactate Syndrome and no experimental evidence demonstrating its impact on protein function have been reported. No submitters have cited clinical-significance assessments for this variant to ClinVar after 2014. Based on the evidence outlined above, the variant was classified as pathogenic.

NM_018122.5(DARS2):c.161dup (p.Cys54fs)

Gene: DARS2 (aspartyl-tRNA synthetase 2, mitochondrial; plus strand). Cytogenetic location: 1q25.1.
Variant type: Duplication.
Coding change: c.161dup on transcript NM_018122.5 (MANE Select); coding-DNA position 161, one base duplicated (G; older notation c.161dupG).
Protein change: p.Cys54fs; shifts the reading frame from cysteine 54.
Molecular consequence: frameshift variant.
Genome position (GRCh38, 1-based): chr1:173,826,720, G duplicated. VCF-style (leftmost placement, unchanged base first): chr1-173826719-T-TG. GRCh37 (hg19) VCF-style: chr1-173795857-T-TG.
Other names: c.161dup, p.Cys54fs (NM_001365212.1, NM_001365213.2); c.161dupG (NM_018122.5); short protein forms C54fs.
Identifiers: ClinVar variation 2691462 (VCV002691462.1), dbSNP rs1557852943, ClinGen allele CA916341517.
Genomic context (GRCh38, chr1:173,826,719, plus strand): 5'-AAGTTTCTTTTTTTTTTTTTTTTTAAAGAATTCAGTAGCTTTGTTGTCCGGACCAACACA[T>TG]GTGGAGAGTTGCGTTCGTCTCACTTAGGCCAAGAAGTCACCTTGTGTGGATGGATTCAGT-3'